The following is an entry in ClinVar:

ClinVar aggregate classification (germline): Uncertain significance (1 of 4 stars; one submission).

Submission:

GeneDx
Classification: Uncertain significance. Last evaluated: 2023-06-13. Review status: criteria provided, single submitter. Criteria: GeneDx Variant Classification Process June 2021. Collection method: clinical testing. Allele origin: germline. Affected: yes.
Comment: Not observed at significant frequency in large population cohorts (gnomAD); In silico analysis supports that this missense variant has a deleterious effect on protein structure/function; Has not been previously published as pathogenic or benign to our knowledge.

NM_006015.6(ARID1A):c.4178A>G (p.Tyr1393Cys)

Gene: ARID1A (AT-rich interaction domain 1A; plus strand). Cytogenetic location: 1p36.11.
Variant type: single nucleotide variant.
Coding change: c.4178A>G on transcript NM_006015.6 (MANE Select); coding-DNA position 4178, A replaced by G.
Protein change: p.Tyr1393Cys; replaces tyrosine 1393 with cysteine.
Molecular consequence: missense variant. On other transcripts: intron variant (1).
Genome position (GRCh38, 1-based): chr1:26,774,405, A>G. VCF-style: chr1-26774405-A-G. GRCh37 (hg19) VCF-style: chr1-27100896-A-G.
Other names: c.4101+507A>G (NM_139135.4); short protein forms Y1393C.
Identifiers: ClinVar variation 3359599 (VCV003359599.1).